The following is an entry in ClinVar:

ClinVar aggregate classification (germline): Uncertain significance (1 of 4 stars; one submission).

Conditions:
Retinoblastoma (RB1). Also called: RETINOBLASTOMA, SOMATIC. Identifiers: Orphanet 790, MedGen C0035335, MeSH D012175, MONDO:0008380, OMIM 180200, HP:0009919. Disease mechanism: loss of function. Inheritance: Both sporadic and heritable forms are tested..

Allele frequency attached by ClinVar (database versions not stated): gnomAD exomes below 0.00001.
gnomAD v4.1: 1 of 1,614,196 alleles (0.000062%); highest among the groups gnomAD compares: South Asian, 0.0011%; no homozygotes.

Submission:

Labcorp Genetics (formerly Invitae), Labcorp
Classification: Uncertain significance for Retinoblastoma. Last evaluated: 2025-10-27. Review status: criteria provided, single submitter. Criteria: Invitae Variant Classification Sherloc (09022015). Collection method: clinical testing. Allele origin: germline.
Comment: This sequence change replaces valine, which is neutral and non-polar, with leucine, which is neutral and non-polar, at codon 622 of the RB1 protein (p.Val622Leu). This variant is not present in population databases (gnomAD no frequency). This variant has not been reported in the literature in individuals affected with RB1-related conditions. ClinVar contains an entry for this variant (Variation ID: 2173959). Invitae Evidence Modeling of protein sequence and biophysical properties (such as structural, functional, and spatial information, amino acid conservation, physicochemical variation, residue mobility, and thermodynamic stability) indicates that this missense variant is not expected to disrupt RB1 protein function with a negative predictive value of 80%. In summary, the available evidence is currently insufficient to determine the role of this variant in disease. Therefore, it has been classified as a Variant of Uncertain Significance.

NM_000321.3(RB1):c.1864G>T (p.Val622Leu)

Gene: RB1 (RB transcriptional corepressor 1; plus strand). Cytogenetic location: 13q14.2.
Variant type: single nucleotide variant.
Coding change: c.1864G>T on transcript NM_000321.3 (MANE Select); coding-DNA position 1864, G replaced by T.
Protein change: p.Val622Leu; replaces valine 622 with leucine.
Molecular consequence: missense variant.
Genome position (GRCh38, 1-based): chr13:48,456,253, G>T. VCF-style: chr13-48456253-G-T. GRCh37 (hg19) VCF-style: chr13-49030389-G-T.
Other names: c.1864G>T, p.Val622Leu (NM_001407165.1); short protein forms V622L.
Identifiers: ClinVar variation 2173959 (VCV002173959.4), dbSNP rs2138331204, ClinGen allele CA388165783.
Genomic context (GRCh38, chr13:48,456,253, plus strand): 5'-AATATATCTAGGTATCTTTCTCCTGTAAGATCTCCAAAGAAAAAAGGTTCAACTACGCGT[G>T]TAAATTCTACTGCAAATGCAGAGACACAAGCAACCTCAGCCTTCCAGACCCAGAAGCCAT-3'
Protein context (NP_000312.2, residues 612-632): SPKKKGSTTR[Val622Leu]NSTANAETQA